The following is an entry in ClinVar:

ClinVar aggregate classification (germline): Uncertain significance (1 of 4 stars; one submission).

Allele frequency attached by ClinVar (database versions not stated): gnomAD 0.00001; gnomAD exomes 0.00001.
gnomAD v4.1: 18 of 1,601,808 alleles (0.0011%); highest among the groups gnomAD compares: Non-Finnish European, 0.0015%; no homozygotes.

Submission:

Labcorp Genetics (formerly Invitae), Labcorp
Classification: Uncertain significance. Last evaluated: 2024-12-02. Review status: criteria provided, single submitter. Criteria: Invitae Variant Classification Sherloc (09022015). Collection method: clinical testing. Allele origin: germline.
Comment: This sequence change replaces glycine, which is neutral and non-polar, with aspartic acid, which is acidic and polar, at codon 3742 of the HSPG2 protein (p.Gly3742Asp). This variant is present in population databases (rs757944521, gnomAD 0.005%). This variant has not been reported in the literature in individuals affected with HSPG2-related conditions. ClinVar contains an entry for this variant (Variation ID: 1498502). An algorithm developed to predict the effect of missense changes on protein structure and function (PolyPhen-2) suggests that this variant is likely to be disruptive. In summary, the available evidence is currently insufficient to determine the role of this variant in disease. Therefore, it has been classified as a Variant of Uncertain Significance.

NM_005529.7(HSPG2):c.11225G>A (p.Gly3742Asp)

Gene: HSPG2 (heparan sulfate proteoglycan 2; minus strand). Cytogenetic location: 1p36.12.
Variant type: single nucleotide variant.
Coding change: c.11225G>A on transcript NM_005529.7 (MANE Select); coding-DNA position 11225, G replaced by A.
Protein change: p.Gly3742Asp; replaces glycine 3742 with aspartic acid.
Molecular consequence: missense variant.
Genome position (GRCh38, 1-based): chr1:21,831,779, C>T on the plus strand (G>A on the coding strand, the complement: HSPG2 is on the minus strand). VCF-style: chr1-21831779-C-T. GRCh37 (hg19) VCF-style: chr1-22158272-C-T.
Other names: c.11228G>A, p.Gly3743Asp (NM_001291860.2); short protein forms G3743D, G3742D.
Identifiers: ClinVar variation 1498502 (VCV001498502.7), dbSNP rs757944521, ClinGen allele CA669862.
Genomic context (GRCh38, chr1:21,831,779, plus strand): 5'-AGGGTCACGGTGTGGAAATGGCCCAGGGCCAGTGGTGTGGGATGGCGGATGGTGGCCATG[C>T]CTGAGCCTGCATCGAACCTGCTCCGTGGGGCAGGCCGGGGCAGGAGAGAGTGGATAGGGG-3'
Protein context (NP_005520.4, residues 3732-3752): RPEFRFDAGS[Gly3742Asp]MATIRHPTPL